The following is an entry in ClinVar:

NC_000005.10:g.(?_136052907)_(136054861_?)del

Gene: TGFBI (transforming growth factor beta induced; plus strand). Cytogenetic location: 5q31.1.
Variant type: Deletion.
Identifiers: ClinVar variation 831871 (VCV000831871.6).

ClinVar aggregate classification (germline): Uncertain significance (1 of 4 stars; one submission).

Submission:

Labcorp Genetics (formerly Invitae), Labcorp
Classification: Uncertain significance. Last evaluated: 2022-11-10. Review status: criteria provided, single submitter. Criteria: Invitae Variant Classification Sherloc (09022015). Collection method: clinical testing. Allele origin: germline.
Comment: In summary, the available evidence is currently insufficient to determine the role of this variant in disease. Therefore, it has been classified as a Variant of Uncertain Significance. This variant has not been reported in the literature in individuals affected with TGFBI-related conditions. This variant is a gross deletion of the genomic region encompassing exon(s) 8-10 of the TGFBI gene. This deletion is out-of-frame, and is expected to create a premature translational stop signal and result in an absent or disrupted protein product. However, the current clinical and genetic evidence is not sufficient to establish whether loss-of-function variants in TGFBI cause disease.